The following is an entry in ClinVar:

NM_000080.4(CHRNE):c.176A>T (p.Asn59Ile)

Genes: C17orf107 (chromosome 17 open reading frame 107; plus strand), CHRNE (cholinergic receptor nicotinic epsilon subunit; minus strand). Cytogenetic location: 17p13.2.
Variant type: single nucleotide variant.
Coding change: c.176A>T on transcript NM_000080.4 (MANE Select); coding-DNA position 176, A replaced by T.
Protein change: p.Asn59Ile; replaces asparagine 59 with isoleucine.
Molecular consequence: missense variant. On other transcripts: 3 prime UTR variant (1).
Genome position (GRCh38, 1-based): chr17:4,902,634, T>A on the plus strand (A>T on the coding strand, the complement: CHRNE is on the minus strand). VCF-style: chr17-4902634-T-A. GRCh37 (hg19) VCF-style: chr17-4805929-T-A.
Other names: c.*2101T>A (NM_001145536.2); short protein forms N59I.
Identifiers: ClinVar variation 2745740 (VCV002745740.3), dbSNP rs2507563252, ClinGen allele CA397307668.

ClinVar aggregate classification (germline): Uncertain significance (1 of 4 stars; one submission).

Conditions:
Congenital myasthenic syndrome 4A. Also called: Myasthenic syndrome, congenital, 4a, slow-channel; MYASTHENIC SYNDROME, CONGENITAL, 4A, SLOW-CHANNEL, AUTOSOMAL RECESSIVE; CONGENITAL MYASTHENIC SYNDROME TYPE Ia1. Identifiers: Orphanet 590, MedGen C4225413, MONDO:0011600, OMIM 605809.

Submission:

Labcorp Genetics (formerly Invitae), Labcorp
Classification: Uncertain significance for Congenital myasthenic syndrome 4A. Last evaluated: 2023-07-21. Review status: criteria provided, single submitter. Criteria: Invitae Variant Classification Sherloc (09022015). Collection method: clinical testing. Allele origin: germline.
Comment: In summary, the available evidence is currently insufficient to determine the role of this variant in disease. Therefore, it has been classified as a Variant of Uncertain Significance. Advanced modeling of protein sequence and biophysical properties (such as structural, functional, and spatial information, amino acid conservation, physicochemical variation, residue mobility, and thermodynamic stability) performed at Invitae indicates that this missense variant is expected to disrupt CHRNE protein function. This variant has not been reported in the literature in individuals affected with CHRNE-related conditions. This variant is not present in population databases (gnomAD no frequency). This sequence change replaces asparagine, which is neutral and polar, with isoleucine, which is neutral and non-polar, at codon 59 of the CHRNE protein (p.Asn59Ile).